The following is an entry in ClinVar:

NM_001378120.1(MBD5):c.4483G>A (p.Glu1495Lys)

Gene: MBD5 (methyl-CpG binding domain protein 5; plus strand). Cytogenetic location: 2q23.1.
Variant type: single nucleotide variant.
Coding change: c.4483G>A on transcript NM_001378120.1 (MANE Select); coding-DNA position 4483, G replaced by A.
Protein change: p.Glu1495Lys; replaces glutamic acid 1495 with lysine.
Molecular consequence: missense variant.
Genome position (GRCh38, 1-based): chr2:148,490,115, G>A. VCF-style: chr2-148490115-G-A. GRCh37 (hg19) VCF-style: chr2-149247684-G-A.
Other names: c.3784G>A, p.Glu1262Lys (NM_018328.5); c.3784G>A (NM_018328.4); short protein forms E1262K, E1495K.
Identifiers: ClinVar variation 2197637 (VCV002197637.6), dbSNP rs2470027035, ClinGen allele CA348729350.
Genomic context (GRCh38, chr2:148,490,115, plus strand): 5'-GGGGAACAGCACCCAATACTGTTACCACCAAGAAACTGTCCAGGGGATAAAATTCTAGAG[G>A]AAAATTTCAGGTATAATAACTACAAAAGAACTATGATGAGTTTTAAGGAGAGACTAGAGA-3'
Protein context (NP_001365049.1, residues 1485-1505): RNCPGDKILE[Glu1495Lys]NFRYNNYKRT

ClinVar aggregate classification (germline): Uncertain significance. Review status: criteria provided, single submitter (1 of 4 stars). 2 submissions from 2 submitters: Uncertain significance (1). 1 of the submissions does not count toward it. Last evaluated 2022-08-31.

Conditions:
Intellectual developmental disorder, autosomal dominant 1. Also called: Intellectual disability, autosomal dominant 1; MBD5 Haploinsufficiency. Identifiers: Orphanet 228402, MedGen C1969562, MONDO:0007974, OMIM 156200.
MBD5-related disorder. Also called: MBD5-related condition.

Allele frequency attached by ClinVar (database versions not stated): gnomAD exomes below 0.00001.
gnomAD v4.1: 1 of 1,613,886 alleles (0.000062%); highest among the groups gnomAD compares: Non-Finnish European, 0.000085%; no homozygotes.

Submissions (2):

Labcorp Genetics (formerly Invitae), Labcorp
Classification: Uncertain significance for Intellectual developmental disorder, autosomal dominant 1. Last evaluated: 2022-08-31. Review status: criteria provided, single submitter. Criteria: Invitae Variant Classification Sherloc (09022015). Collection method: clinical testing. Allele origin: germline.
Comment: This sequence change replaces glutamic acid, which is acidic and polar, with lysine, which is basic and polar, at codon 1262 of the MBD5 protein (p.Glu1262Lys). This variant is not present in population databases (gnomAD no frequency). This variant has not been reported in the literature in individuals affected with MBD5-related conditions. Algorithms developed to predict the effect of missense changes on protein structure and function are either unavailable or do not agree on the potential impact of this missense change (SIFT: "Deleterious"; PolyPhen-2: "Not Available"; Align-GVGD: "Class C55"). In summary, the available evidence is currently insufficient to determine the role of this variant in disease. Therefore, it has been classified as a Variant of Uncertain Significance.

PreventionGenetics, part of Exact Sciences
Classification: Uncertain significance for MBD5-related condition. Last evaluated: 2024-01-03. Review status: no assertion criteria provided. Collection method: clinical testing. Allele origin: germline. Not counted in ClinVar's aggregate classification.
Comment: The MBD5 c.3784G>A variant is predicted to result in the amino acid substitution p.Glu1262Lys. To our knowledge, this variant has not been reported in the literature or in a large population database, indicating this variant is rare. At this time, the clinical significance of this variant is uncertain due to the absence of conclusive functional and genetic evidence.